The following is an entry in ClinVar:

NM_014159.7(SETD2):c.6294A>G (p.Arg2098=)

Gene: SETD2 (SET domain containing 2, histone lysine methyltransferase; minus strand). Cytogenetic location: 3p21.31.
Variant type: single nucleotide variant.
Coding change: c.6294A>G on transcript NM_014159.7 (MANE Select); coding-DNA position 6294, A replaced by G.
Protein change: p.Arg2098=; no amino-acid change (arginine 2098 retained).
Molecular consequence: synonymous variant. On other transcripts: non-coding transcript variant (1).
Genome position (GRCh38, 1-based): chr3:47,057,490, T>C on the plus strand (A>G on the coding strand, the complement: SETD2 is on the minus strand). VCF-style: chr3-47057490-T-C. GRCh37 (hg19) VCF-style: chr3-47098980-T-C.
Other names: c.6162A>G, p.Arg2054= (NM_001349370.3).
Identifiers: ClinVar variation 3254902 (VCV003254902.1), dbSNP rs2107578420.

ClinVar aggregate classification (germline): Uncertain significance (1 of 4 stars; one submission).

Conditions:
Luscan-Lumish syndrome. Identifiers: Orphanet 597738, MedGen C4085873, MONDO:0014791, OMIM 616831.

Submission:

Victorian Clinical Genetics Services, Murdoch Childrens Research Institute
Classification: Uncertain significance for Luscan-Lumish syndrome. Last evaluated: 2023-07-16. Review status: criteria provided, single submitter. Criteria: ACMG Guidelines, 2015. Collection method: clinical testing. Allele origin: germline. Inheritance: Autosomal dominant inheritance. Affected: yes.
Comment: Based on the classification scheme VCGS_Germline_v1.3.4, this variant is classified as VUS-3C. Following criteria are met: 0102 - Loss of function is a known mechanism of disease in this gene and is associated with Luscan-Lumish syndrome (MIM#616831). (I) 0107 - This gene is associated with autosomal dominant disease. (I) 0115 - Variants in this gene are known to have variable expressivity, where some patients do not present with overgrowth or obesity (PMID: 29681085). (I) 0212 - Non-canonical splice site variant without proven consequence on splicing (no functional evidence available). (SP) 0251 - This variant is heterozygous. (I) 0301 - Variant is absent from gnomAD (both v2 and v3). (SP) 0506 - Abnormal splicing is not predicted and nucleotide is poorly conserved. (SB) 0705 - No comparable splice variants have previous evidence for pathogenicity. (I) 0807 - This variant has no previous evidence of pathogenicity. (I) 0905 - No published segregation evidence has been identified for this variant. (I) 1007 - No published functional evidence has been identified for this variant. (I) 1208 - Inheritance information for this variant is not currently available in this individual. (I) Legend: (SP) - Supporting pathogenic, (I) - Information, (SB) - Supporting benign

Literature cited by the submitters: PubMed 29681085.